The following is an entry in ClinVar:

ClinVar aggregate classification (germline): Uncertain significance (1 of 4 stars; one submission).

Conditions:
Short-rib thoracic dysplasia 6 with or without polydactyly (SRTD6). Also called: SHORT RIB-POLYDACTYLY SYNDROME, TYPE IIA; SHORT-RIB THORACIC DYSPLASIA 6 WITHOUT POLYDACTYLY; POLYDACTYLY WITH NEONATAL CHONDRODYSTROPHY, TYPE II; Majewski Syndrome; SHORT-RIB THORACIC DYSPLASIA 6 WITH POLYDACTYLY. Identifiers: MedGen C0024507, MONDO:0009894, OMIM 263520.

Submission:

Labcorp Genetics (formerly Invitae), Labcorp
Classification: Uncertain significance for Short-rib thoracic dysplasia 6 with or without polydactyly. Last evaluated: 2025-04-19. Review status: criteria provided, single submitter. Criteria: Invitae Variant Classification Sherloc (09022015). Collection method: clinical testing. Allele origin: germline.
Comment: This sequence change replaces leucine, which is neutral and non-polar, with phenylalanine, which is neutral and non-polar, at codon 958 of the NEK1 protein (p.Leu958Phe). This variant is present in population databases (rs759223692, gnomAD 0.003%). This variant has not been reported in the literature in individuals affected with NEK1-related conditions. Invitae Evidence Modeling of protein sequence and biophysical properties (such as structural, functional, and spatial information, amino acid conservation, physicochemical variation, residue mobility, and thermodynamic stability) indicates that this missense variant is not expected to disrupt NEK1 protein function with a negative predictive value of 95%. In summary, the available evidence is currently insufficient to determine the role of this variant in disease. Therefore, it has been classified as a Variant of Uncertain Significance.

NM_001199397.3(NEK1):c.2956C>T (p.Leu986Phe)

Gene: NEK1 (NIMA related kinase 1; minus strand). Cytogenetic location: 4q33.
Variant type: single nucleotide variant.
Coding change: c.2956C>T on transcript NM_001199397.3 (MANE Select); coding-DNA position 2956, C replaced by T.
Protein change: p.Leu986Phe; replaces leucine 986 with phenylalanine.
Molecular consequence: missense variant. On other transcripts: non-coding transcript variant (1).
Genome position (GRCh38, 1-based): chr4:169,426,164, G>A on the plus strand (C>T on the coding strand, the complement: NEK1 is on the minus strand). VCF-style: chr4-169426164-G-A. GRCh37 (hg19) VCF-style: chr4-170347315-G-A.
Other names: c.2824C>T, p.Leu942Phe (NM_001199398.3); c.2665C>T, p.Leu889Phe (NM_001199399.3); c.2740C>T, p.Leu914Phe (NM_001199400.3); c.2956C>T, p.Leu986Phe (NM_001374418.1); c.2872C>T, p.Leu958Phe (NM_001374419.1, NM_012224.4); c.2821C>T, p.Leu941Phe (NM_001374420.1); c.2473C>T, p.Leu825Phe (NM_001374421.1); c.2779C>T, p.Leu927Phe (NM_001440620.1); and 5 more; short protein forms L707F, L751F, L825F, L855F, L883F, L889F, L899F, L914F.
Identifiers: ClinVar variation 4810616 (VCV004810616.1).